The following is an entry in ClinVar:

NM_020911.2(PLXNA4):c.2496C>T (p.Cys832=)

Gene: PLXNA4 (plexin A4; minus strand). Cytogenetic location: 7q32.3.
Variant type: single nucleotide variant.
Coding change: c.2496C>T on transcript NM_020911.2 (MANE Select); coding-DNA position 2496, C replaced by T.
Protein change: p.Cys832=; no amino-acid change (cysteine 832 retained).
Molecular consequence: synonymous variant.
Genome position (GRCh38, 1-based): chr7:132,202,736, G>A on the plus strand (C>T on the coding strand, the complement: PLXNA4 is on the minus strand). VCF-style: chr7-132202736-G-A. GRCh37 (hg19) VCF-style: chr7-131887495-G-A.
Other names: c.2496C>T, p.Cys832= (NM_001393897.1).
Identifiers: ClinVar variation 719236 (VCV000719236.6), dbSNP rs117847895, ClinGen allele CA4489783.

ClinVar aggregate classification (germline): Likely benign. Review status: criteria provided, multiple submitters, no conflicts (2 of 4 stars). 3 submissions from 3 submitters: Likely benign (2). 1 of the submissions does not count toward it. Last evaluated 2018-06-26.

Conditions:
PLXNA4-related disorder. Also called: PLXNA4-related condition.

Allele frequency attached by ClinVar (database versions not stated): ExAC 0.00092; gnomAD exomes 0.00099 and 0.00181; ESP Exome Variant Server 0.00103; gnomAD 0.00116; TOPMed 0.00135; 1000 Genomes Project 0.00140; 1000 Genomes Project 30x 0.00172.
gnomAD v4.1: 2,844 of 1,611,110 alleles (0.18%); highest among the groups gnomAD compares: Non-Finnish European, 0.21%; 7 homozygotes.

Submissions (3):

Labcorp Genetics (formerly Invitae), Labcorp
Classification: Likely benign. Last evaluated: 2018-06-26. Review status: criteria provided, single submitter. Criteria: Invitae Variant Classification Sherloc (09022015). Collection method: clinical testing. Allele origin: germline.

Breakthrough Genomics
Classification: Likely benign. Review status: criteria provided, single submitter. Criteria: ACMG Guidelines, 2015. Collection method: not provided. Allele origin: germline. Inheritance: Unknown mechanism. Affected: yes.

PreventionGenetics, part of Exact Sciences
Classification: Likely benign for PLXNA4-related condition. Last evaluated: 2021-05-19. Review status: no assertion criteria provided. Collection method: clinical testing. Allele origin: germline. Not counted in ClinVar's aggregate classification.
Comment: This variant is classified as likely benign based on ACMG/AMP sequence variant interpretation guidelines (Richards et al. 2015 PMID: 25741868, with internal and published modifications).